The following is an entry in ClinVar:

NM_002524.5(NRAS):c.275A>C (p.Asp92Ala)

Gene: NRAS (NRAS proto-oncogene, GTPase; minus strand). Cytogenetic location: 1p13.2.
Variant type: single nucleotide variant.
Coding change: c.275A>C on transcript NM_002524.5 (MANE Select); coding-DNA position 275, A replaced by C.
Protein change: p.Asp92Ala; replaces aspartic acid 92 with alanine.
Molecular consequence: missense variant.
Genome position (GRCh38, 1-based): chr1:114,713,815, T>G on the plus strand (A>C on the coding strand, the complement: NRAS is on the minus strand). VCF-style: chr1-114713815-T-G. GRCh37 (hg19) VCF-style: chr1-115256436-T-G.
Other names: short protein forms D92A.
Identifiers: ClinVar variation 4874733 (VCV004874733.2).

ClinVar aggregate classification (germline): Uncertain significance (1 of 4 stars; one submission).

Submission:

CeGaT Center for Human Genetics Tuebingen
Classification: Uncertain significance. Last evaluated: 2026-04-01. Review status: criteria provided, single submitter. Criteria: CeGaT Center For Human Genetics Tuebingen Variant Classification Criteria Version 2. Collection method: clinical testing. Allele origin: germline. Affected: yes. Observed: 1 variant allele.
Comment: NRAS: PM2